The following is an entry in ClinVar:

NM_013275.6(ANKRD11):c.6898G>A (p.Ala2300Thr)

Gene: ANKRD11 (ankyrin repeat domain 11; minus strand). Cytogenetic location: 16q24.3.
Variant type: single nucleotide variant.
Coding change: c.6898G>A on transcript NM_013275.6 (MANE Select); coding-DNA position 6898, G replaced by A.
Protein change: p.Ala2300Thr; replaces alanine 2300 with threonine.
Molecular consequence: missense variant.
Genome position (GRCh38, 1-based): chr16:89,279,644, C>T on the plus strand (G>A on the coding strand, the complement: ANKRD11 is on the minus strand). VCF-style: chr16-89279644-C-T. GRCh37 (hg19) VCF-style: chr16-89346052-C-T.
Other names: c.6898G>A, p.Ala2300Thr (NM_001256182.2, NM_001256183.2); short protein forms A2300T.
Identifiers: ClinVar variation 2995379 (VCV002995379.4), dbSNP rs897670799, ClinGen allele CA286509695.

ClinVar aggregate classification (germline): Uncertain significance. Review status: criteria provided, multiple submitters, no conflicts (2 of 4 stars). 2 submissions from 2 submitters: Uncertain significance (2). Last evaluated 2025-12-09.

Conditions:
KBG syndrome (KBGS). Also called: ANKRD11-Related KBG Syndrome. Identifiers: Orphanet 2332, MedGen C0220687, MONDO:0007846, OMIM 148050.

Allele frequency attached by ClinVar (database versions not stated): gnomAD exomes below 0.00001; gnomAD 0.00002; TOPMed 0.00003.
gnomAD v4.1: 7 of 1,439,236 alleles (0.00049%); highest among the groups gnomAD compares: African/African-American, 0.0043%; no homozygotes.

Submissions (2):

Women's Health and Genetics/Laboratory Corporation of America, LabCorp
Classification: Uncertain significance. Last evaluated: 2025-12-09. Review status: criteria provided, single submitter. Criteria: LabCorp Variant Classification Summary - May 2015. Collection method: clinical testing. Allele origin: germline.
Comment: Variant summary: ANKRD11 c.6898G>A (p.Ala2300Thr) results in a non-conservative amino acid change in the encoded protein sequence. Algorithms developed to predict the effect of missense changes on protein structure and function are either unavailable or do not agree on the potential impact of this missense change. The variant was absent in 55136 control chromosomes. The available data on variant occurrences in the general population are insufficient to allow any conclusion about variant significance. To our knowledge, no occurrence of c.6898G>A in individuals affected with ANKRD11-related conditions and no experimental evidence demonstrating its impact on protein function have been reported. ClinVar contains an entry for this variant (Variation ID: 2995379). Based on the evidence outlined above, the variant was classified as uncertain significance.

Labcorp Genetics (formerly Invitae), Labcorp
Classification: Uncertain significance for KBG syndrome. Last evaluated: 2025-08-29. Review status: criteria provided, single submitter. Criteria: Invitae Variant Classification Sherloc (09022015). Collection method: clinical testing. Allele origin: germline.
Comment: This sequence change replaces alanine, which is neutral and non-polar, with threonine, which is neutral and polar, at codon 2300 of the ANKRD11 protein (p.Ala2300Thr). This variant is not present in population databases (gnomAD no frequency). This variant has not been reported in the literature in individuals affected with ANKRD11-related conditions. ClinVar contains an entry for this variant (Variation ID: 2995379). Invitae Evidence Modeling of protein sequence and biophysical properties (such as structural, functional, and spatial information, amino acid conservation, physicochemical variation, residue mobility, and thermodynamic stability) indicates that this missense variant is not expected to disrupt ANKRD11 protein function with a negative predictive value of 95%. In summary, the available evidence is currently insufficient to determine the role of this variant in disease. Therefore, it has been classified as a Variant of Uncertain Significance.